The following is an entry in ClinVar:

NM_000071.3(CBS):c.301C>G (p.Leu101Val)

Gene: CBS (cystathionine beta-synthase; minus strand). Cytogenetic location: 21q22.3.
Variant type: single nucleotide variant.
Coding change: c.301C>G on transcript NM_000071.3 (MANE Select); coding-DNA position 301, C replaced by G.
Protein change: p.Leu101Val; replaces leucine 101 with valine.
Molecular consequence: missense variant.
Genome position (GRCh38, 1-based): chr21:43,068,524, G>C on the plus strand (C>G on the coding strand, the complement: CBS is on the minus strand). VCF-style: chr21-43068524-G-C. GRCh37 (hg19) VCF-style: chr21-44488634-G-C.
Other names: c.301C>G, p.Leu101Val (NM_001178008.3, NM_001178009.3, NM_001320298.2); short protein forms L101V.
Identifiers: ClinVar variation 340091 (VCV000340091.9), dbSNP rs369644531, ClinGen allele CA10653007.

ClinVar aggregate classification (germline): Conflicting classifications of pathogenicity. Review status: criteria provided, conflicting classifications (1 of 4 stars). 3 submissions from 3 submitters: Likely pathogenic (1); Uncertain significance (2). Last evaluated 2026-01-01.

Conditions:
HYPERHOMOCYSTEINEMIA, THROMBOTIC, CBS-RELATED. Identifiers: MedGen C3150344, OMIM 236200.
Classic homocystinuria. Also called: Homocystinuria due to Cystathionine Beta-Synthase Deficiency; Homocystinuria due to CBS deficiency; Cystathionine beta-synthase deficiency; CBS deficiency; HOMOCYSTINURIA WITH OR WITHOUT RESPONSE TO PYRIDOXINE. Identifiers: Orphanet 394, MedGen C0751202, MONDO:0009352, OMIM 236200.

Allele frequency attached by ClinVar (database versions not stated): ExAC 0.00002; gnomAD exomes 0.00002; ESP Exome Variant Server 0.00008.

Submissions (3):

Labcorp Genetics (formerly Invitae), Labcorp
Classification: Likely pathogenic for HYPERHOMOCYSTEINEMIA, THROMBOTIC, CBS-RELATED. Last evaluated: 2026-01-01. Review status: criteria provided, single submitter. Criteria: Invitae Variant Classification Sherloc (09022015). Collection method: clinical testing. Allele origin: germline.
Comment: This sequence change replaces leucine, which is neutral and non-polar, with valine, which is neutral and non-polar, at codon 101 of the CBS protein (p.Leu101Val). This variant is present in population databases (rs369644531, gnomAD 0.03%). This variant has not been reported in the literature in individuals affected with CBS-related conditions. ClinVar contains an entry for this variant (Variation ID: 340091). Invitae Evidence Modeling of protein sequence and biophysical properties (such as structural, functional, and spatial information, amino acid conservation, physicochemical variation, residue mobility, and thermodynamic stability) indicates that this missense variant is expected to disrupt CBS protein function with a positive predictive value of 95%. This variant disrupts the p.Leu101 amino acid residue in CBS. Other variant(s) that disrupt this residue have been determined to be pathogenic (PMID: 9889017, 12124992, 14635102, 20066033). This suggests that this residue is clinically significant, and that variants that disrupt this residue are likely to be disease-causing. In summary, the currently available evidence indicates that the variant is pathogenic, but additional data are needed to prove that conclusively. Therefore, this variant has been classified as Likely Pathogenic.

GeneDx
Classification: Uncertain significance. Last evaluated: 2022-12-19. Review status: criteria provided, single submitter. Criteria: GeneDx Variant Classification Process June 2021. Collection method: clinical testing. Allele origin: germline. Affected: yes.
Comment: In silico analysis supports that this missense variant does not alter protein structure/function; Has not been previously published as pathogenic or benign to our knowledge

Illumina Laboratory Services, Illumina
Classification: Uncertain significance for Classic homocystinuria. Last evaluated: 2018-01-12. Review status: criteria provided, single submitter. Criteria: ICSL Variant Classification Criteria 13 December 2019. Collection method: clinical testing. Allele origin: germline.

Literature cited by the submitters: PubMed 9889017 (cited by Labcorp Genetics (formerly Invitae), Labcorp); PubMed 12124992 (cited by Labcorp Genetics (formerly Invitae), Labcorp); PubMed 14635102 (cited by Labcorp Genetics (formerly Invitae), Labcorp); PubMed 20066033 (cited by Labcorp Genetics (formerly Invitae), Labcorp).